The following is an entry in ClinVar:

ClinVar aggregate classification (germline): Likely benign (1 of 4 stars; one submission).

Conditions:
KIDINS220-related disorder. Also called: KIDINS220-related condition.

gnomAD v4.1: 5 of 1,614,024 alleles (0.00031%); highest among the groups gnomAD compares: South Asian, 0.0033%; no homozygotes.

Submission:

PreventionGenetics, part of Exact Sciences
Classification: Likely benign for KIDINS220-related condition. Last evaluated: 2026-06-12. Review status: criteria provided, single submitter. Criteria: ACMG Guidelines, 2015. Collection method: clinical testing. Allele origin: germline.
Comment: This variant is classified as likely benign based on ACMG/AMP sequence variant interpretation guidelines (Richards et al. 2015 PMID: 25741868, with internal and published modifications).

NM_020738.4(KIDINS220):c.2463T>C (p.Ser821=)

Gene: KIDINS220 (kinase D interacting substrate 220; minus strand). Cytogenetic location: 2p25.1.
Variant type: single nucleotide variant.
Coding change: c.2463T>C on transcript NM_020738.4 (MANE Select); coding-DNA position 2463, T replaced by C.
Protein change: p.Ser821=; no amino-acid change (serine 821 retained).
Molecular consequence: synonymous variant. On other transcripts: non-coding transcript variant (2).
Genome position (GRCh38, 1-based): chr2:8,779,047, A>G on the plus strand (T>C on the coding strand, the complement: KIDINS220 is on the minus strand). VCF-style: chr2-8779047-A-G. GRCh37 (hg19) VCF-style: chr2-8919177-A-G.
Other names: c.2466T>C, p.Ser822= (NM_001348729.2, NM_001348731.2, NM_001348734.2 and 3 more transcripts); c.2463T>C, p.Ser821= (NM_001348732.2, NM_001348735.2, NM_001348738.2 and 3 more transcripts); c.2337T>C, p.Ser779= (NM_001348736.2).
Identifiers: ClinVar variation 4988063 (VCV004988063.1).